The following is an entry in ClinVar:

NM_000138.5(FBN1):c.5377T>C (p.Cys1793Arg)

Gene: FBN1 (fibrillin 1; minus strand). Cytogenetic location: 15q21.1.
Variant type: single nucleotide variant.
Coding change: c.5377T>C on transcript NM_000138.5 (MANE Select); coding-DNA position 5377, T replaced by C.
Protein change: p.Cys1793Arg; replaces cysteine 1793 with arginine.
Molecular consequence: missense variant.
Genome position (GRCh38, 1-based): chr15:48,456,682, A>G on the plus strand (T>C on the coding strand, the complement: FBN1 is on the minus strand). VCF-style: chr15-48456682-A-G. GRCh37 (hg19) VCF-style: chr15-48748879-A-G.
Other names: short protein forms C1793R.
Identifiers: ClinVar variation 647812 (VCV000647812.12), dbSNP rs1555396424, ClinGen allele CA392345998.

ClinVar aggregate classification (germline): Pathogenic. Review status: criteria provided, multiple submitters, no conflicts (2 of 4 stars). 2 submissions from 2 submitters: Pathogenic (2). Last evaluated 2024-03-27.

Conditions:
Familial thoracic aortic aneurysm and aortic dissection (TAAD). Also called: Thoracic aortic aneurysms and dissections. Identifiers: Orphanet 91387, MedGen C4707243, MONDO:0019625.
Marfan syndrome (MFS). Also called: FBN1-Related Marfan Syndrome; Marfan syndrome type 1; Marfan's syndrome; Marfan syndrome, classic; MARFAN SYNDROME, TYPE I. Identifiers: Orphanet 284963, Orphanet 558, MedGen C0024796, MONDO:0007947, OMIM 154700.

Submissions (2):

Labcorp Genetics (formerly Invitae), Labcorp
Classification: Pathogenic for Marfan syndrome; Familial thoracic aortic aneurysm and aortic dissection. Last evaluated: 2024-03-27. Review status: criteria provided, single submitter. Criteria: Invitae Variant Classification Sherloc (09022015). Collection method: clinical testing. Allele origin: germline.
Comment: This sequence change replaces cysteine, which is neutral and slightly polar, with arginine, which is basic and polar, at codon 1793 of the FBN1 protein (p.Cys1793Arg). This variant is not present in population databases (gnomAD no frequency). This missense change has been observed in individuals with Marfan syndrome (PMID: 17627385; Invitae). ClinVar contains an entry for this variant (Variation ID: 647812). Advanced modeling of protein sequence and biophysical properties (such as structural, functional, and spatial information, amino acid conservation, physicochemical variation, residue mobility, and thermodynamic stability) performed at Invitae indicates that this missense variant is expected to disrupt FBN1 protein function with a positive predictive value of 95%. This variant affects a cysteine residue in the EGF-like, TGFBP or hybrid motif domains of FBN1. Cysteine residues are believed to be involved in intramolecular disulfide bridges and have been shown to be important for FBN1 protein structure (PMID: 16905551, 19349279). In addition, missense substitutions affecting cysteine residues within these domains are significantly overrepresented among patients with Marfan syndrome (PMID: 16571647, 17701892). This variant disrupts the p.Cys1793 amino acid residue in FBN1. Other variant(s) that disrupt this residue have been observed in individuals with FBN1-related conditions (PMID: 14695540, 17657824, 25644172), which suggests that this may be a clinically significant amino acid residue. For these reasons, this variant has been classified as Pathogenic.

Revvity Omics, Revvity
Classification: Pathogenic. Last evaluated: 2023-02-02. Review status: criteria provided, single submitter. Criteria: ACMG Guidelines, 2015. Collection method: clinical testing. Allele origin: germline.

Literature cited by the submitters: PubMed 17627385 (cited by Labcorp Genetics (formerly Invitae), Labcorp); PubMed 16905551 (cited by Labcorp Genetics (formerly Invitae), Labcorp); PubMed 19349279 (cited by Labcorp Genetics (formerly Invitae), Labcorp); PubMed 16571647 (cited by Labcorp Genetics (formerly Invitae), Labcorp); PubMed 17701892 (cited by Labcorp Genetics (formerly Invitae), Labcorp); PubMed 14695540 (cited by Labcorp Genetics (formerly Invitae), Labcorp); PubMed 17657824 (cited by Labcorp Genetics (formerly Invitae), Labcorp); PubMed 25644172 (cited by Labcorp Genetics (formerly Invitae), Labcorp).